The following is an entry in ClinVar:

NM_182746.3(MCM4):c.55A>C (p.Thr19Pro)

Genes: MCM4 (minichromosome maintenance complex component 4; plus strand), LOC130000338 (ATAC-STARR-seq lymphoblastoid silent region 19178; plus strand). Cytogenetic location: 8q11.21.
Variant type: single nucleotide variant.
Coding change: c.55A>C on transcript NM_182746.3 (MANE Select); coding-DNA position 55, A replaced by C.
Protein change: p.Thr19Pro; replaces threonine 19 with proline.
Molecular consequence: missense variant.
Genome position (GRCh38, 1-based): chr8:47,961,199, A>C. VCF-style: chr8-47961199-A-C. GRCh37 (hg19) VCF-style: chr8-48873759-A-C.
Other names: c.55A>C, p.Thr19Pro (NM_005914.4); short protein forms T19P.
Identifiers: ClinVar variation 1713672 (VCV001713672.6), dbSNP rs2551883081, ClinGen allele CA371143470.

ClinVar aggregate classification (germline): Uncertain significance (1 of 4 stars; one submission).

Submission:

Labcorp Genetics (formerly Invitae), Labcorp
Classification: Uncertain significance. Last evaluated: 2022-07-24. Review status: criteria provided, single submitter. Criteria: Invitae Variant Classification Sherloc (09022015). Collection method: clinical testing. Allele origin: germline.
Comment: In summary, the available evidence is currently insufficient to determine the role of this variant in disease. Therefore, it has been classified as a Variant of Uncertain Significance. Algorithms developed to predict the effect of missense changes on protein structure and function are either unavailable or do not agree on the potential impact of this missense change (SIFT: "Deleterious"; PolyPhen-2: "Benign"; Align-GVGD: "Class C0"). This variant has not been reported in the literature in individuals affected with MCM4-related conditions. This variant is not present in population databases (gnomAD no frequency). This sequence change replaces threonine, which is neutral and polar, with proline, which is neutral and non-polar, at codon 19 of the MCM4 protein (p.Thr19Pro).